The following is an entry in ClinVar:

ClinVar aggregate classification (germline): Likely benign. Review status: criteria provided, multiple submitters, no conflicts (2 of 4 stars). 5 submissions from 5 submitters: Likely benign (5). Last evaluated 2025-10-02.

Conditions:
Arrhythmogenic cardiomyopathy with wooly hair and keratoderma. Also called: Carvajal syndrome; Dilated cardiomyopathy with woolly hair and keratoderma; Arrhythmogenic cardiomyopathy with woolly hair and keratoderma; PALMOPLANTAR KERATODERMA WITH LEFT VENTRICULAR CARDIOMYOPATHY AND WOOLLY HAIR. Identifiers: Orphanet 65282, MedGen C1854063, MONDO:0011581, OMIM 605676.
Arrhythmogenic right ventricular dysplasia 8 (ARVD8). Also called: ARRHYTHMOGENIC RIGHT VENTRICULAR DYSPLASIA, FAMILIAL, 8; ARRHYTHMOGENIC RIGHT VENTRICULAR CARDIOMYOPATHY 8; Arrhythmogenic Right Ventricular Dysplasia/Cardiomyopathy 8. Identifiers: MedGen C1843896, MONDO:0011831, OMIM 607450.
Cardiomyopathy (CMYO). Also called: Cardiomyopathies. Identifiers: Orphanet 167848, MedGen C0878544, MONDO:0004994, HP:0001638. Inheritance: Various modes of inheritance.
Cardiovascular phenotype. Identifiers: MedGen CN230736.

Allele frequency attached by ClinVar (database versions not stated): ExAC 0.00001; gnomAD 0.00001; gnomAD exomes 0.00001.
gnomAD v4.1: 44 of 1,614,044 alleles (0.0027%); highest among the groups gnomAD compares: Non-Finnish European, 0.0036%; no homozygotes.

Submissions (5):

Labcorp Genetics (formerly Invitae), Labcorp
Classification: Likely benign for Arrhythmogenic cardiomyopathy with wooly hair and keratoderma; Arrhythmogenic right ventricular dysplasia 8. Last evaluated: 2025-10-02. Review status: criteria provided, single submitter. Criteria: Invitae Variant Classification Sherloc (09022015). Collection method: clinical testing. Allele origin: germline.

All of Us Research Program, National Institutes of Health
Classification: Likely benign for Arrhythmogenic cardiomyopathy with wooly hair and keratoderma. Last evaluated: 2023-08-15. Review status: criteria provided, single submitter. Criteria: ACMG Guidelines, 2015. Collection method: clinical testing. Allele origin: germline. Inheritance: Autosomal dominant inheritance. Observed: 5 variant alleles, 5 heterozygotes.
Comment: This study involves interpretation of variants in research participants for the purpose of population health screening. Participant phenotype was not available at the time of variant classification. Additional details can be found in publication PMID: 35346344, PMCID: PMC8962531

Ambry Genetics
Classification: Likely benign for Cardiovascular phenotype. Last evaluated: 2023-03-18. Review status: criteria provided, single submitter. Criteria: Ambry Variant Classification Scheme 2023. Collection method: clinical testing. Allele origin: germline.

Color Diagnostics, LLC DBA Color Health
Classification: Likely benign for Cardiomyopathy. Last evaluated: 2019-02-16. Review status: criteria provided, single submitter. Criteria: ACMG Guidelines, 2015. Collection method: clinical testing. Allele origin: germline.

GeneDx
Classification: Likely benign. Last evaluated: 2016-01-11. Review status: criteria provided, single submitter. Criteria: GeneDx Variant Classification (06012015). Collection method: clinical testing. Allele origin: germline. Affected: yes.
Comment: This variant is considered likely benign or benign based on one or more of the following criteria: it is a conservative change, it occurs at a poorly conserved position in the protein, it is predicted to be benign by multiple in silico algorithms, and/or has population frequency not consistent with disease.

NM_004415.4(DSP):c.7923C>T (p.Ile2641=)

Gene: DSP (desmoplakin; plus strand). Cytogenetic location: 6p24.3.
Variant type: single nucleotide variant.
Coding change: c.7923C>T on transcript NM_004415.4 (MANE Select); coding-DNA position 7923, C replaced by T.
Protein change: p.Ile2641=; no amino-acid change (isoleucine 2641 retained).
Molecular consequence: synonymous variant.
Genome position (GRCh38, 1-based): chr6:7,585,185, C>T. VCF-style: chr6-7585185-C-T. GRCh37 (hg19) VCF-style: chr6-7585418-C-T.
Other names: c.7923C>T (LRG_423t1); c.6126C>T, p.Ile2042= (NM_001008844.3); c.6594C>T, p.Ile2198= (NM_001319034.2).
Identifiers: ClinVar variation 382845 (VCV000382845.11), dbSNP rs773906008, ClinGen allele CA051180.